The following is an entry in ClinVar:

NM_002834.5(PTPN11):c.1741G>A (p.Glu581Lys)

Gene: PTPN11 (protein tyrosine phosphatase non-receptor type 11; plus strand). Cytogenetic location: 12q24.13.
Variant type: single nucleotide variant.
Coding change: c.1741G>A on transcript NM_002834.5 (MANE Select); coding-DNA position 1741, G replaced by A.
Protein change: p.Glu581Lys; replaces glutamic acid 581 with lysine.
Molecular consequence: missense variant.
Genome position (GRCh38, 1-based): chr12:112,504,723, G>A. VCF-style: chr12-112504723-G-A. GRCh37 (hg19) VCF-style: chr12-112942527-G-A.
Other names: c.1753G>A, p.Glu585Lys (NM_001330437.2); c.1738G>A, p.Glu580Lys (NM_001374625.1); short protein forms E580K, E581K, E585K.
Identifiers: ClinVar variation 1337570 (VCV001337570.6), dbSNP rs2135930858, ClinGen allele CA386784460.

ClinVar aggregate classification (germline): Uncertain significance. Review status: criteria provided, multiple submitters, no conflicts (2 of 4 stars). 2 submissions from 2 submitters: Uncertain significance (2). Last evaluated 2024-10-04.

Conditions:
RASopathy. Also called: rasopathies; Noonan spectrum disorder. Identifiers: Orphanet 536391, MedGen C5555857, MONDO:0021060.

Submissions (2):

Labcorp Genetics (formerly Invitae), Labcorp
Classification: Uncertain significance for RASopathy. Last evaluated: 2024-10-04. Review status: criteria provided, single submitter. Criteria: Invitae Variant Classification Sherloc (09022015). Collection method: clinical testing. Allele origin: germline.
Comment: This sequence change replaces glutamic acid, which is acidic and polar, with lysine, which is basic and polar, at codon 581 of the PTPN11 protein (p.Glu581Lys). This variant is not present in population databases (gnomAD no frequency). This variant has not been reported in the literature in individuals affected with PTPN11-related conditions. ClinVar contains an entry for this variant (Variation ID: 1337570). Invitae Evidence Modeling of protein sequence and biophysical properties (such as structural, functional, and spatial information, amino acid conservation, physicochemical variation, residue mobility, and thermodynamic stability) has been performed for this missense variant. However, the output from this modeling did not meet the statistical confidence thresholds required to predict the impact of this variant on PTPN11 protein function. In summary, the available evidence is currently insufficient to determine the role of this variant in disease. Therefore, it has been classified as a Variant of Uncertain Significance.

Genetic Services Laboratory, University of Chicago
Classification: Uncertain significance. Last evaluated: 2020-03-05. Review status: criteria provided, single submitter. Criteria: ACMG Guidelines, 2015. Collection method: clinical testing. Allele origin: germline. Affected: no.
Comment: DNA sequence analysis of the PTPN11 gene demonstrated a sequence change, c.1741G>A, in exon 15 that results in an amino acid change, p.Glu581Lys. This sequence change does not appear to have been previously described in patients with PTPN11-related disorders and has also not been described in population databases (gnomAD, ExAC). The p.Glu581Lys change affects a highly conserved amino acid residue located in a domain of the PTPN11 protein that is known to be functional. In-silico pathogenicity prediction tools (SIFT, PolyPhen2, Align GVGD, REVEL) provide contradictory results for the p.Glu581Lys substitution. Due to these contrasting evidences and the lack of functional studies, the clinical significance of the p.Glu581Lys change remains unknown at this time.